The following is an entry in ClinVar:

NM_001696.4(ATP6V1E1):c.607A>G (p.Ile203Val)

Gene: ATP6V1E1 (ATPase H+ transporting V1 subunit E1; minus strand). Cytogenetic location: 22q11.21.
Variant type: single nucleotide variant.
Coding change: c.607A>G on transcript NM_001696.4 (MANE Select); coding-DNA position 607, A replaced by G.
Protein change: p.Ile203Val; replaces isoleucine 203 with valine.
Molecular consequence: missense variant.
Genome position (GRCh38, 1-based): chr22:17,594,540, T>C on the plus strand (A>G on the coding strand, the complement: ATP6V1E1 is on the minus strand). VCF-style: chr22-17594540-T-C. GRCh37 (hg19) VCF-style: chr22-18077306-T-C.
Other names: c.541A>G, p.Ile181Val (NM_001039366.1); c.517A>G, p.Ile173Val (NM_001039367.1); short protein forms I181V, I203V, I173V.
Identifiers: ClinVar variation 2090305 (VCV002090305.4), dbSNP rs757617918, ClinGen allele CA10090031.

ClinVar aggregate classification (germline): Uncertain significance (1 of 4 stars; one submission).

Allele frequency attached by ClinVar (database versions not stated): ExAC 0.00002.
gnomAD v4.1: 6 of 1,588,816 alleles (0.00038%); highest among the groups gnomAD compares: East Asian, 0.0045%; no homozygotes.

Submission:

Labcorp Genetics (formerly Invitae), Labcorp
Classification: Uncertain significance. Last evaluated: 2022-06-15. Review status: criteria provided, single submitter. Criteria: Invitae Variant Classification Sherloc (09022015). Collection method: clinical testing. Allele origin: germline.
Comment: This variant has not been reported in the literature in individuals affected with ATP6V1E1-related conditions. In summary, the available evidence is currently insufficient to determine the role of this variant in disease. Therefore, it has been classified as a Variant of Uncertain Significance. Algorithms developed to predict the effect of missense changes on protein structure and function (SIFT, PolyPhen-2, Align-GVGD) all suggest that this variant is likely to be tolerated. The frequency data for this variant in the population databases is considered unreliable, as metrics indicate poor data quality at this position in the gnomAD database. This sequence change replaces isoleucine, which is neutral and non-polar, with valine, which is neutral and non-polar, at codon 203 of the ATP6V1E1 protein (p.Ile203Val).